The following is an entry in ClinVar:

NM_002047.4(GARS1):c.1903+1G>A

Gene: GARS1 (glycyl-tRNA synthetase 1; plus strand). Cytogenetic location: 7p14.3.
Variant type: single nucleotide variant.
Coding change: c.1903+1G>A on transcript NM_002047.4 (MANE Select); the canonical splice donor site of the intron after coding-DNA position 1903, G replaced by A.
Molecular consequence: splice donor variant.
Genome position (GRCh38, 1-based): chr7:30,631,542, G>A. VCF-style: chr7-30631542-G-A. GRCh37 (hg19) VCF-style: chr7-30671158-G-A.
Other names: c.1741+1G>A (NM_001316772.1).
Identifiers: ClinVar variation 3771849 (VCV003771849.14).

ClinVar aggregate classification (germline): Uncertain significance. Review status: criteria provided, multiple submitters, no conflicts (2 of 4 stars). 2 submissions from 2 submitters: Uncertain significance (2). Last evaluated 2025-02-03.

Conditions:
Charcot-Marie-Tooth disease type 2. Also called: Charcot-Marie-Tooth type 2. Identifiers: Orphanet 64746, MedGen C0270914, MONDO:0018993.

Submissions (2):

Labcorp Genetics (formerly Invitae), Labcorp
Classification: Uncertain significance for Charcot-Marie-Tooth disease type 2. Last evaluated: 2025-02-03. Review status: criteria provided, single submitter. Criteria: Invitae Variant Classification Sherloc (09022015). Collection method: clinical testing. Allele origin: germline.
Comment: This sequence change affects a donor splice site in intron 15 of the GARS gene. It is expected to disrupt RNA splicing. Variants that disrupt the donor or acceptor splice site typically lead to a loss of protein function (PMID: 16199547), however the current clinical and genetic evidence is not sufficient to establish whether loss-of-function variants in GARS cause disease. This variant is not present in population databases (gnomAD no frequency). This variant has not been reported in the literature in individuals affected with GARS-related conditions. Algorithms developed to predict the effect of sequence changes on RNA splicing suggest that this variant may disrupt the consensus splice site. In summary, the available evidence is currently insufficient to determine the role of this variant in disease. Therefore, it has been classified as a Variant of Uncertain Significance.

CeGaT Center for Human Genetics Tuebingen
Classification: Uncertain significance. Last evaluated: 2024-12-01. Review status: criteria provided, single submitter. Criteria: CeGaT Center For Human Genetics Tuebingen Variant Classification Criteria Version 2. Collection method: clinical testing. Allele origin: germline. Affected: yes. Observed: 1 variant allele.
Comment: GARS1: PM2, BP5

Literature cited by the submitters: PubMed 16199547 (cited by Labcorp Genetics (formerly Invitae), Labcorp).